The following is an entry in ClinVar:

ClinVar aggregate classification (germline): Likely benign (1 of 4 stars; one submission).

Submission:

Dasa
Classification: Likely benign. Last evaluated: 2025-12-31. Review status: criteria provided, single submitter. Criteria: DASA Assertion Criteria. Collection method: clinical testing. Allele origin: germline.
Comment: NM_001985.3(ETFB):c.216+282G>T is an intronic variant. The variant context is inconsistent with a known disease-causing mechanism. Computational prediction algorithms are consistent with a benign effect. Therefore, based on the currently available evidence, this variant is classified as likely benign.

NM_001985.3(ETFB):c.216+282G>T

Gene: ETFB (electron transfer flavoprotein subunit beta; minus strand). Cytogenetic location: 19q13.41.
Variant type: single nucleotide variant.
Coding change: c.216+282G>T on transcript NM_001985.3 (MANE Select); 282 bases into the intron after coding-DNA position 216, G replaced by T.
Molecular consequence: intron variant.
Genome position (GRCh38, 1-based): chr19:51,353,868, C>A on the plus strand (G>T on the coding strand, the complement: ETFB is on the minus strand). VCF-style: chr19-51353868-C-A. GRCh37 (hg19) VCF-style: chr19-51857122-C-A.
Other names: c.489+282G>T (NM_001014763.1).
Identifiers: ClinVar variation 4856930 (VCV004856930.2).